The following is an entry in ClinVar:

NM_003743.5(NCOA1):c.2922A>G (p.Pro974=)

Gene: NCOA1 (nuclear receptor coactivator 1; plus strand). Cytogenetic location: 2p23.3.
Variant type: single nucleotide variant.
Coding change: c.2922A>G on transcript NM_003743.5 (MANE Select); coding-DNA position 2922, A replaced by G.
Protein change: p.Pro974=; no amino-acid change (proline 974 retained).
Molecular consequence: synonymous variant.
Genome position (GRCh38, 1-based): chr2:24,729,536, A>G. VCF-style: chr2-24729536-A-G. GRCh37 (hg19) VCF-style: chr2-24952405-A-G.
Other names: c.2922A>G, p.Pro974= (NM_001362950.1, NM_001362952.1, NM_001362954.1 and 3 more transcripts).
Identifiers: ClinVar variation 3353199 (VCV003353199.1).
Genomic context (GRCh38, chr2:24,729,536, plus strand): 5'-AATATTCTGGCTTCTTTTCTAACAGGGGGGTGGATTAGATGTATTATCAGAGAGATTTCC[A>G]CCACAACAAGCAACGCCACCTTTGATCATGGAAGAAAGACCCAACCTTTATTCCCAGCCT-3'
Protein context (NP_003734.3, residues 964-984): GGLDVLSERF[Pro974=]PQQATPPLIM

ClinVar aggregate classification (germline): Likely benign (0 of 4 stars; one submission).

Conditions:
NCOA1-related disorder. Also called: NCOA1-related condition.

gnomAD v4.1: 17 of 1,614,114 alleles (0.0011%); highest among the groups gnomAD compares: African/African-American, 0.017%; no homozygotes.

Submission:

PreventionGenetics, part of Exact Sciences
Classification: Likely benign for NCOA1-related condition. Last evaluated: 2024-08-28. Review status: no assertion criteria provided. Collection method: clinical testing. Allele origin: germline.
Comment: This variant is classified as likely benign based on ACMG/AMP sequence variant interpretation guidelines (Richards et al. 2015 PMID: 25741868, with internal and published modifications).